The following is an entry in ClinVar:

ClinVar aggregate classification (germline): Uncertain significance (1 of 4 stars; one submission).

Conditions:
Neuronal ceroid lipofuscinosis. Also called: Neuronal Ceroid Lipofuscinoses. Identifiers: Orphanet 216, Orphanet 79263, MedGen C0027877, MONDO:0016295. Disease mechanism: loss of function.

Submission:

Labcorp Genetics (formerly Invitae), Labcorp
Classification: Uncertain significance for Neuronal ceroid lipofuscinosis. Last evaluated: 2020-08-27. Review status: criteria provided, single submitter. Criteria: Invitae Variant Classification Sherloc (09022015). Collection method: clinical testing. Allele origin: germline.
Comment: In summary, the available evidence is currently insufficient to determine the role of this variant in disease. Therefore, it has been classified as a Variant of Uncertain Significance. Algorithms developed to predict the effect of missense changes on protein structure and function are either unavailable or do not agree on the potential impact of this missense change (SIFT: "Tolerated"; PolyPhen-2: "Possibly Damaging"; Align-GVGD: "Class C0"). This variant has not been reported in the literature in individuals with CLN3-related conditions. This variant is not present in population databases (ExAC no frequency). This sequence change replaces serine with glycine at codon 131 of the CLN3 protein (p.Ser131Gly). The serine residue is weakly conserved and there is a small physicochemical difference between serine and glycine.

NM_001042432.2(CLN3):c.391A>G (p.Ser131Gly)

Gene: CLN3 (CLN3 lysosomal/endosomal transmembrane protein, battenin; minus strand). Cytogenetic location: 16p12.1.
Variant type: single nucleotide variant.
Coding change: c.391A>G on transcript NM_001042432.2 (MANE Select); coding-DNA position 391, A replaced by G.
Protein change: p.Ser131Gly; replaces serine 131 with glycine.
Molecular consequence: missense variant.
Genome position (GRCh38, 1-based): chr16:28,487,525, T>C on the plus strand (A>G on the coding strand, the complement: CLN3 is on the minus strand). VCF-style: chr16-28487525-T-C. GRCh37 (hg19) VCF-style: chr16-28498846-T-C.
Other names: c.391A>G, p.Ser131Gly (NM_000086.2); c.319A>G, p.Ser107Gly (NM_001286104.2); c.91A>G, p.Ser31Gly (NM_001286105.2); c.157A>G, p.Ser53Gly (NM_001286109.2); c.229A>G, p.Ser77Gly (NM_001286110.2); short protein forms S107G, S131G, S31G, S53G, S77G.
Identifiers: ClinVar variation 1023491 (VCV001023491.8), dbSNP rs2046239997, ClinGen allele CA395345954.